The following is an entry in ClinVar:

NM_001277115.2(DNAH11):c.12456G>T (p.Trp4152Cys)

Gene: DNAH11 (dynein axonemal heavy chain 11; plus strand). Cytogenetic location: 7p15.3.
Variant type: single nucleotide variant.
Coding change: c.12456G>T on transcript NM_001277115.2 (MANE Select); coding-DNA position 12456, G replaced by T.
Protein change: p.Trp4152Cys; replaces tryptophan 4152 with cysteine.
Molecular consequence: missense variant.
Genome position (GRCh38, 1-based): chr7:21,884,359, G>T. VCF-style: chr7-21884359-G-T. GRCh37 (hg19) VCF-style: chr7-21923977-G-T.
Other names: c.12477G>T, p.Trp4159Cys (NM_003777.3); short protein forms W4152C, W4159C.
Identifiers: ClinVar variation 2726011 (VCV002726011.3), dbSNP rs1339128502, ClinGen allele CA366964586.

ClinVar aggregate classification (germline): Uncertain significance (1 of 4 stars; one submission).

Conditions:
Primary ciliary dyskinesia. Also called: Ciliary dyskinesia. Identifiers: Orphanet 244, MedGen C0008780, MONDO:0016575, HP:0012265.

Allele frequency attached by ClinVar (database versions not stated): gnomAD exomes below 0.00001.
gnomAD v4.1: 2 of 1,612,960 alleles (0.00012%); highest among the groups gnomAD compares: Non-Finnish European, 0.00017%; no homozygotes.

Submission:

Labcorp Genetics (formerly Invitae), Labcorp
Classification: Uncertain significance for Primary ciliary dyskinesia. Last evaluated: 2023-10-30. Review status: criteria provided, single submitter. Criteria: Invitae Variant Classification Sherloc (09022015). Collection method: clinical testing. Allele origin: germline.
Comment: This sequence change replaces tryptophan, which is neutral and slightly polar, with cysteine, which is neutral and slightly polar, at codon 4152 of the DNAH11 protein (p.Trp4152Cys). This variant is present in population databases (no rsID available, gnomAD 0.0009%). This variant has not been reported in the literature in individuals affected with DNAH11-related conditions. Advanced modeling of protein sequence and biophysical properties (such as structural, functional, and spatial information, amino acid conservation, physicochemical variation, residue mobility, and thermodynamic stability) performed at Invitae indicates that this missense variant is not expected to disrupt DNAH11 protein function with a negative predictive value of 95%. In summary, the available evidence is currently insufficient to determine the role of this variant in disease. Therefore, it has been classified as a Variant of Uncertain Significance.